The following is an entry in ClinVar:

ClinVar aggregate classification (germline): Likely pathogenic (1 of 4 stars; one submission).

Allele frequency attached by ClinVar (database versions not stated): gnomAD exomes below 0.00001 and 0.00001; ExAC 0.00001.
gnomAD v4.1: 7 of 1,614,128 alleles (0.00043%); highest among the groups gnomAD compares: South Asian, 0.0066%; no homozygotes.

Submission:

GeneDx
Classification: Likely pathogenic. Last evaluated: 2021-09-21. Review status: criteria provided, single submitter. Criteria: GeneDx Variant Classification Process June 2021. Collection method: clinical testing. Allele origin: germline. Affected: yes.
Comment: Published functional studies demonstrate that the N390D and A406V variants, either on their own or as the double mutant N390D; A406V complex allele, impair the glycosyltransferase function of B4GAT1 (Buysse et al., 2013).; Not observed at a significant frequency in large population cohorts (Lek et al., 2016); In silico analysis supports that this missense variant has a deleterious effect on protein structure/function; This variant is associated with the following publications: (PMID: 25279699, 23359570)

NM_006876.3(B4GAT1):c.1168A>G (p.Asn390Asp)

Gene: B4GAT1 (beta-1,4-glucuronyltransferase 1; minus strand). Cytogenetic location: 11q13.2.
Variant type: single nucleotide variant.
Coding change: c.1168A>G on transcript NM_006876.3 (MANE Select); coding-DNA position 1168, A replaced by G.
Protein change: p.Asn390Asp; replaces asparagine 390 with aspartic acid.
Molecular consequence: missense variant.
Genome position (GRCh38, 1-based): chr11:66,346,129, T>C on the plus strand (A>G on the coding strand, the complement: B4GAT1 is on the minus strand). VCF-style: chr11-66346129-T-C. GRCh37 (hg19) VCF-style: chr11-66113600-T-C.
Other names: B4GAT1, ASN390ASP; short protein forms N390D.
Identifiers: ClinVar variation 242669 (VCV000242669.5), dbSNP rs397509397, ClinGen allele CA045585.
Genomic context (GRCh38, chr11:66,346,129, plus strand): 5'-TGGGGTACTTGGCCTTCAACTCCTGTTTGAACTGGCGATATAGGATCTTATTGTGCTGAT[T>C]TTCAGCCTCCTTTTGGGGATGGAACTTCAACGCTTCTTTGAAGCCCTTATGAACCAAGAA-3'
Protein context (NP_006867.1, residues 380-400): LKFHPQKEAE[Asn390Asp]QHNKILYRQF